The following is an entry in ClinVar:

ClinVar aggregate classification (germline): Uncertain significance. Review status: criteria provided, multiple submitters, no conflicts (2 of 4 stars). 2 submissions from 2 submitters: Uncertain significance (2). Last evaluated 2025-02-21.

Conditions:
Hereditary cancer-predisposing syndrome. Also called: Neoplastic Syndromes, Hereditary; Hereditary Cancer Syndrome; Hereditary neoplastic syndrome; Tumor predisposition. Identifiers: Orphanet 140162, MedGen C0027672, MeSH D009386, MONDO:0015356.
Mitochondrial complex II deficiency, nuclear type 1. Also called: SUCCINATE CoQ REDUCTASE DEFICIENCY. Identifiers: Orphanet 3208, MedGen C5700310, MONDO:0100294, OMIM 252011.
Pheochromocytoma/paraganglioma syndrome 5. Also called: Paragangliomas 5; SDHA-Related Hereditary Paraganglioma-Pheochromocytoma Syndrome. Identifiers: Orphanet 29072, MedGen C3279992, MONDO:0013602, OMIM 614165.

Allele frequency attached by ClinVar (database versions not stated): gnomAD exomes 0.00001.
gnomAD v4.1: 5 of 1,614,010 alleles (0.00031%); highest among the groups gnomAD compares: Non-Finnish European, 0.00042%; no homozygotes.

Submissions (2):

Ambry Genetics
Classification: Uncertain significance for Hereditary cancer-predisposing syndrome. Last evaluated: 2025-02-21. Review status: criteria provided, single submitter. Criteria: Ambry Variant Classification Scheme 2023. Collection method: clinical testing. Allele origin: germline.
Comment: The p.T277A variant (also known as c.829A>G), located in coding exon 7 of the SDHA gene, results from an A to G substitution at nucleotide position 829. The threonine at codon 277 is replaced by alanine, an amino acid with similar properties. This amino acid position is not well conserved in available vertebrate species. In addition, this alteration is predicted to be tolerated by in silico analysis. Since supporting evidence is limited at this time, the clinical significance of this alteration remains unclear.

Labcorp Genetics (formerly Invitae), Labcorp
Classification: Uncertain significance for Pheochromocytoma/paraganglioma syndrome 5; Mitochondrial complex II deficiency, nuclear type 1. Last evaluated: 2023-02-14. Review status: criteria provided, single submitter. Criteria: Invitae Variant Classification Sherloc (09022015). Collection method: clinical testing. Allele origin: germline.
Comment: In summary, the available evidence is currently insufficient to determine the role of this variant in disease. Therefore, it has been classified as a Variant of Uncertain Significance. Advanced modeling of protein sequence and biophysical properties (such as structural, functional, and spatial information, amino acid conservation, physicochemical variation, residue mobility, and thermodynamic stability) performed at Invitae indicates that this missense variant is not expected to disrupt SDHA protein function. ClinVar contains an entry for this variant (Variation ID: 486375). This variant has not been reported in the literature in individuals affected with SDHA-related conditions. This variant is not present in population databases (gnomAD no frequency). This sequence change replaces threonine, which is neutral and polar, with alanine, which is neutral and non-polar, at codon 277 of the SDHA protein (p.Thr277Ala).

NM_004168.4(SDHA):c.829A>G (p.Thr277Ala)

Gene: SDHA (succinate dehydrogenase complex flavoprotein subunit A; plus strand). Cytogenetic location: 5p15.33.
Variant type: single nucleotide variant.
Coding change: c.829A>G on transcript NM_004168.4 (MANE Select); coding-DNA position 829, A replaced by G.
Protein change: p.Thr277Ala; replaces threonine 277 with alanine.
Molecular consequence: missense variant.
Genome position (GRCh38, 1-based): chr5:230,934, A>G. VCF-style: chr5-230934-A-G. GRCh37 (hg19) VCF-style: chr5-231049-A-G.
Other names: c.685A>G, p.Thr229Ala (NM_001294332.2); c.829A>G, p.Thr277Ala (NM_001330758.2); short protein forms T277A, T229A.
Identifiers: ClinVar variation 486375 (VCV000486375.14), dbSNP rs1553998638, ClinGen allele CA359011741.